The following is an entry in ClinVar:

NM_020631.6(PLEKHG5):c.2306C>T (p.Thr769Met)

Gene: PLEKHG5 (pleckstrin homology and RhoGEF domain containing G5; minus strand). Cytogenetic location: 1p36.31.
Variant type: single nucleotide variant.
Coding change: c.2306C>T on transcript NM_020631.6 (MANE Select); coding-DNA position 2306, C replaced by T.
Protein change: p.Thr769Met; replaces threonine 769 with methionine.
Molecular consequence: missense variant.
Genome position (GRCh38, 1-based): chr1:6,468,530, G>A on the plus strand (C>T on the coding strand, the complement: PLEKHG5 is on the minus strand). VCF-style: chr1-6468530-G-A. GRCh37 (hg19) VCF-style: chr1-6528590-G-A.
Other names: c.2417C>T, p.Thr806Met (NM_001042663.3, NM_001265592.2); c.2306C>T, p.Thr769Met (NM_001042664.2, NM_001042665.2, NM_001265594.3 and 1 more transcripts); c.2513C>T, p.Thr838Met (NM_001265593.2); short protein forms T769M, T838M, T806M.
Identifiers: ClinVar variation 429408 (VCV000429408.10), dbSNP rs1000775772, ClinGen allele CA17234404.

ClinVar aggregate classification (germline): Uncertain significance. Review status: criteria provided, multiple submitters, no conflicts (2 of 4 stars). 3 submissions from 3 submitters: Uncertain significance (3). Last evaluated 2024-12-11.

Conditions:
Inborn genetic diseases. Identifiers: MedGen C0950123, MeSH D030342.
Charcot-Marie-Tooth disease recessive intermediate C. Also called: CHARCOT-MARIE-TOOTH NEUROPATHY, RECESSIVE INTERMEDIATE C. Identifiers: Orphanet 369867, MedGen C3809309, MONDO:0014154, OMIM 615376.
Neuronopathy, distal hereditary motor, autosomal recessive 4. Also called: NEUROPATHY, DISTAL HEREDITARY MOTOR, AUTOSOMAL RECESSIVE 4; Autosomal recessive lower motor neuron disease with childhood onset. Identifiers: Orphanet 206580, MedGen C1970211, MONDO:0012608, OMIM 611067.

Allele frequency attached by ClinVar (database versions not stated): gnomAD exomes below 0.00001; gnomAD 0.00001; TOPMed 0.00002.

Submissions (3):

Ambry Genetics
Classification: Uncertain significance for Inborn genetic diseases. Last evaluated: 2024-12-11. Review status: criteria provided, single submitter. Criteria: Ambry Variant Classification Scheme 2023. Collection method: clinical testing. Allele origin: germline.

Labcorp Genetics (formerly Invitae), Labcorp
Classification: Uncertain significance for Neuronopathy, distal hereditary motor, autosomal recessive 4; Charcot-Marie-Tooth disease recessive intermediate C. Last evaluated: 2022-09-01. Review status: criteria provided, single submitter. Criteria: Invitae Variant Classification Sherloc (09022015). Collection method: clinical testing. Allele origin: germline.
Comment: This sequence change replaces threonine, which is neutral and polar, with methionine, which is neutral and non-polar, at codon 769 of the PLEKHG5 protein (p.Thr769Met). This variant is present in population databases (no rsID available, gnomAD 0.004%). This variant has not been reported in the literature in individuals affected with PLEKHG5-related conditions. ClinVar contains an entry for this variant (Variation ID: 429408). Algorithms developed to predict the effect of missense changes on protein structure and function output the following: SIFT: "Tolerated"; PolyPhen-2: "Benign"; Align-GVGD: "Class C0". The methionine amino acid residue is found in multiple mammalian species, which suggests that this missense change does not adversely affect protein function. In summary, the available evidence is currently insufficient to determine the role of this variant in disease. Therefore, it has been classified as a Variant of Uncertain Significance.

GeneDx
Classification: Uncertain significance. Last evaluated: 2017-04-13. Review status: criteria provided, single submitter. Criteria: GeneDx Variant Classification (06012015). Collection method: clinical testing. Allele origin: germline. Affected: yes.
Comment: A variant of uncertain significance has been identified in the PLEKHG5 gene. The T796M variant has not been published as a pathogenic variant, nor has it been reported as a benign variant to our knowledge. The T796M variant is not observed in large population cohorts (Lek et al., 2016; 1000 Genomes Consortium et al., 2015; Exome Variant Server). The T796M variant is a non-conservative amino acid substitution, which is likely to impact secondary protein structure as these residues differ in polarity, charge, size and/or other properties. However, this substitution occurs at a position that is not conserved. In silico analysis is inconsistent in its predictions as to whether or not the variant is damaging to the protein structure/function. Therefore, based on the currently available information, it is unclear whether this variant is a pathogenic variant or a rare benign variant.